The following is an entry in ClinVar:

NM_001127198.5(TMC6):c.668C>T (p.Ala223Val)

Gene: TMC6 (transmembrane channel like 6; minus strand). Cytogenetic location: 17q25.3.
Variant type: single nucleotide variant.
Coding change: c.668C>T on transcript NM_001127198.5 (MANE Select); coding-DNA position 668, C replaced by T.
Protein change: p.Ala223Val; replaces alanine 223 with valine.
Molecular consequence: missense variant.
Genome position (GRCh38, 1-based): chr17:78,124,747, G>A on the plus strand (C>T on the coding strand, the complement: TMC6 is on the minus strand). VCF-style: chr17-78124747-G-A. GRCh37 (hg19) VCF-style: chr17-76120828-G-A.
Other names: c.668C>T, p.Ala223Val (NM_001321185.1, NM_001374593.1, NM_001374594.1 and 4 more transcripts); short protein forms A223V.
Identifiers: ClinVar variation 946982 (VCV000946982.9), dbSNP rs2074610790, ClinGen allele CA401233153.
Genomic context (GRCh38, chr17:78,124,747, plus strand): 5'-GAGCCGAACTGGCCCCCGATGCGCTTCAGGGCGTAGCGCCACGGCATCAGGGCCTGCAGG[G>A]CGGAGAGCAGCGCCAGGCCCAGGCTGTGCAAGGCCTGCGGGCACAGGCAGAGAGGCCCTG-3'
Protein context (NP_001120670.1, residues 213-233): LHSLGLALLS[Ala223Val]LQALMPWRYA

ClinVar aggregate classification (germline): Uncertain significance (1 of 4 stars; one submission).

Conditions:
Epidermodysplasia verruciformis. Identifiers: Orphanet 302, MedGen C0014522, MONDO:0009176.

Allele frequency attached by ClinVar (database versions not stated): TOPMed below 0.00001; gnomAD exomes 0.00001.

Submission:

Labcorp Genetics (formerly Invitae), Labcorp
Classification: Uncertain significance for Epidermodysplasia verruciformis. Last evaluated: 2022-07-11. Review status: criteria provided, single submitter. Criteria: Invitae Variant Classification Sherloc (09022015). Collection method: clinical testing. Allele origin: germline.
Comment: This sequence change replaces alanine, which is neutral and non-polar, with valine, which is neutral and non-polar, at codon 223 of the TMC6 protein (p.Ala223Val). In summary, the available evidence is currently insufficient to determine the role of this variant in disease. Therefore, it has been classified as a Variant of Uncertain Significance. Algorithms developed to predict the effect of missense changes on protein structure and function are either unavailable or do not agree on the potential impact of this missense change (SIFT: "Not Available"; PolyPhen-2: "Benign"; Align-GVGD: "Not Available"). ClinVar contains an entry for this variant (Variation ID: 946982). This variant has not been reported in the literature in individuals affected with TMC6-related conditions. This variant is not present in population databases (gnomAD no frequency).